The following is an entry in ClinVar:

ClinVar aggregate classification (germline): Uncertain significance (1 of 4 stars; one submission).

Allele frequency attached by ClinVar (database versions not stated): ExAC 0.00002; gnomAD exomes 0.00002 and 0.00005; gnomAD 0.00003 and 0.00004; TOPMed 0.00003; ESP Exome Variant Server 0.00008.
gnomAD v4.1: 75 of 1,613,798 alleles (0.0046%); highest among the groups gnomAD compares: Non-Finnish European, 0.0064%; no homozygotes.

Submission:

GeneDx
Classification: Uncertain significance. Last evaluated: 2021-09-23. Review status: criteria provided, single submitter. Criteria: GeneDx Variant Classification Process June 2021. Collection method: clinical testing. Allele origin: germline. Affected: yes.
Comment: Not observed at a significant frequency in large population cohorts (Lek et al., 2016); In silico analysis supports that this missense variant does not alter protein structure/function; Has not been previously published as pathogenic or benign to our knowledge

NM_016239.4(MYO15A):c.5699A>G (p.His1900Arg)

Gene: MYO15A (myosin XVA; plus strand). Cytogenetic location: 17p11.2.
Variant type: single nucleotide variant.
Coding change: c.5699A>G on transcript NM_016239.4 (MANE Select); coding-DNA position 5699, A replaced by G.
Protein change: p.His1900Arg; replaces histidine 1900 with arginine.
Molecular consequence: missense variant.
Genome position (GRCh38, 1-based): chr17:18,142,128, A>G. VCF-style: chr17-18142128-A-G. GRCh37 (hg19) VCF-style: chr17-18045442-A-G.
Other names: short protein forms H1900R.
Identifiers: ClinVar variation 1314003 (VCV001314003.2), dbSNP rs369116650, ClinGen allele CA8424374.